The following is an entry in ClinVar:

ClinVar aggregate classification (germline): Likely benign (0 of 4 stars; one submission).

Conditions:
SLC26A1-related disorder. Also called: SLC26A1-related condition.

gnomAD v4.1: 47 of 1,609,060 alleles (0.0029%); highest among the groups gnomAD compares: East Asian, 0.016%; no homozygotes.

Submission:

PreventionGenetics, part of Exact Sciences
Classification: Likely benign for SLC26A1-related condition. Last evaluated: 2024-03-20. Review status: no assertion criteria provided. Collection method: clinical testing. Allele origin: germline.
Comment: This variant is classified as likely benign based on ACMG/AMP sequence variant interpretation guidelines (Richards et al. 2015 PMID: 25741868, with internal and published modifications).

NM_022042.4(SLC26A1):c.489C>T (p.Asn163=)

Genes: IDUA (alpha-L-iduronidase; plus strand), SLC26A1 (solute carrier family 26 member 1; minus strand). Cytogenetic location: 4p16.3.
Variant type: single nucleotide variant.
Coding change: c.489C>T on transcript NM_022042.4 (MANE Select); coding-DNA position 489, C replaced by T.
Protein change: p.Asn163=; no amino-acid change (asparagine 163 retained).
Molecular consequence: synonymous variant. On other transcripts: intron variant (1).
Genome position (GRCh38, 1-based): chr4:991,215, G>A on the plus strand (C>T on the coding strand, the complement: SLC26A1 is on the minus strand). VCF-style: chr4-991215-G-A. GRCh37 (hg19) VCF-style: chr4-985003-G-A.
Other names: c.489C>T, p.Asn163= (NM_134425.4, NM_213613.4); c.299+3266G>A (NM_000203.5).
Identifiers: ClinVar variation 3352829 (VCV003352829.1).